The following is an entry in ClinVar:

ClinVar aggregate classification (germline): Conflicting classifications of pathogenicity. Review status: criteria provided, conflicting classifications (1 of 4 stars). 7 submissions from 7 submitters: Uncertain significance (5); Likely benign (1). 1 of the submissions does not count toward it. Last evaluated 2025-12-03.

Conditions:
Pancreatic cancer, susceptibility to, 3. Identifiers: Orphanet 1333, MedGen C3150547, MONDO:0013236, OMIM 613348.
Fanconi anemia complementation group N. Also called: PALB2-Related Fanconi Anemia. Identifiers: Orphanet 84, MedGen C1835817, MONDO:0012565, OMIM 610832. Disease mechanism: loss of function.
Breast-ovarian cancer, familial, susceptibility to, 5 (BROVCA5). Identifiers: MedGen C5830615, MONDO:0957530, OMIM 620442.
Hereditary cancer-predisposing syndrome. Also called: Tumor predisposition; Hereditary Cancer Syndrome; Neoplastic Syndromes, Hereditary; Hereditary neoplastic syndrome. Identifiers: Orphanet 140162, MedGen C0027672, MeSH D009386, MONDO:0015356.
Familial cancer of breast. Also called: BREAST CANCER, FAMILIAL; Hereditary breast cancer; hereditary breast carcinoma. Identifiers: Orphanet 227535, MedGen C0346153, MONDO:0016419, OMIM 114480. Disease mechanism: loss of function.

Submissions (7):

Labcorp Genetics (formerly Invitae), Labcorp
Classification: Uncertain significance for Familial cancer of breast. Last evaluated: 2025-12-03. Review status: criteria provided, single submitter. Criteria: Invitae Variant Classification Sherloc (09022015). Collection method: clinical testing. Allele origin: germline.
Comment: This variant, c.909_911del, results in the deletion of 1 amino acid(s) of the PALB2 protein (p.Leu304del), but otherwise preserves the integrity of the reading frame. This variant is present in population databases (rs587780222, gnomAD 0.006%). This variant has been observed in individual(s) with breast cancer (PMID: 30287823, 34326862). ClinVar contains an entry for this variant (Variation ID: 128148). Experimental studies and prediction algorithms are not available or were not evaluated, and the functional significance of this variant is currently unknown. In summary, the available evidence is currently insufficient to determine the role of this variant in disease. Therefore, it has been classified as a Variant of Uncertain Significance.

Color Diagnostics, LLC DBA Color Health
Classification: Uncertain significance for Hereditary cancer-predisposing syndrome. Last evaluated: 2025-04-03. Review status: criteria provided, single submitter. Criteria: ACMG Guidelines, 2015. Collection method: clinical testing. Allele origin: germline.
Comment: This variant causes an in-frame deletion of one amino acid at exon 4 of the PALB2 protein. To our knowledge, functional studies have not been performed for this variant. This variant has been reported in an individual affected with familial cancer (PMID: 34326862) and in a breast cancer case-control study in 1/7051 female breast cancer cases and in 1/11241 unaffected controls (PMID: 30287823). This variant has been identified in 1/251264 chromosomes in the general population by the Genome Aggregation Database (gnomAD). The available evidence is insufficient to determine the role of this variant in disease conclusively. Therefore, this variant is classified as a Variant of Uncertain Significance.

Myriad Genetics, Inc.
Classification: Likely benign for Familial cancer of breast. Last evaluated: 2025-01-10. Review status: criteria provided, single submitter. Criteria: Myriad Autosomal Dominant, Autosomal Recessive and X-Linked Classification Criteria (2023). Collection method: clinical testing. Allele origin: unknown.
Comment: This variant is considered likely benign. This variant is strongly associated with less severe personal and family histories of cancer, typical for individuals without pathogenic variants in this gene [PMID: 25085752].

Ambry Genetics
Classification: Uncertain significance for Hereditary cancer-predisposing syndrome. Last evaluated: 2024-11-12. Review status: criteria provided, single submitter. Criteria: Ambry Variant Classification Scheme 2023. Collection method: clinical testing. Allele origin: germline.
Comment: The c.909_911delCCT variant (also known as p.L304del) is located in coding exon 4 of the PALB2 gene. This variant results from an in-frame CCT deletion at nucleotide positions 909 to 911. This results in the in-frame deletion of a leucine at codon 304. This alteration was observed in 1/7051 unselected female breast cancer patients and in 1/11241 female controls of Japanese ancestry (Momozawa Y et al. Nat Commun, 2018 10;9:4083). This amino acid position is poorly conserved in available vertebrate species. In addition, this alteration is predicted to be inconclusive by in silico analysis (Choi Y et al. PLoS ONE. 2012; 7(10):e46688). Since supporting evidence is limited at this time, the clinical significance of this alteration remains unclear.

GeneDx
Classification: Uncertain significance. Last evaluated: 2021-12-30. Review status: criteria provided, single submitter. Criteria: GeneDx Variant Classification Process June 2021. Collection method: clinical testing. Allele origin: germline. Affected: yes.
Comment: Not observed at a significant frequency in large population cohorts (Lek 2016); In-frame deletion of 1 amino acid in a non-repeat region; In silico analysis, which includes protein predictors and evolutionary conservation, supports a deleterious effect; This variant is associated with the following publications: (PMID: 30287823, 28825729, 19369211)

Department of Pathology and Laboratory Medicine, Sinai Health System
Classification: Uncertain significance for Fanconi anemia complementation group N; Pancreatic cancer, susceptibility to, 3; Breast-ovarian cancer, familial, susceptibility to, 5. Last evaluated: 2020-03-31. Review status: criteria provided, single submitter. Criteria: ACMG Guidelines, 2015. Collection method: clinical testing. Allele origin: germline. Affected: no.

Leiden Open Variation Database
Classification: Uncertain significance. Last evaluated: 2018-10-10. Review status: no assertion criteria provided. Collection method: curation. Allele origin: germline. Affected: yes. Not counted in ClinVar's aggregate classification.
Comment: Curators: Marc Tischkowitz, Arleen D. Auerbach. Submitter to LOVD: Yukihide Momozawa.

Literature cited by the submitters: PubMed 30287823 (cited by 4 submitters); PubMed 34326862 (cited by Labcorp Genetics (formerly Invitae), Labcorp and Color Diagnostics, LLC DBA Color Health); PubMed 25085752 (cited by Myriad Genetics, Inc.).

NM_024675.4(PALB2):c.906CCT[1] (p.Leu304del)

Gene: PALB2 (partner and localizer of BRCA2; minus strand). Cytogenetic location: 16p12.2.
Variant type: Microsatellite.
Coding change: c.906CCT[1] on transcript NM_024675.4 (MANE Select); one copy of the 3-base unit CCT starting at c.906; the reference has two copies in a row; one copy, 3 bases deleted; also written c.909_911del.
Protein change: p.Leu304del; deletes leucine 304.
Molecular consequence: inframe deletion.
Genome position (GRCh38, 1-based): chr16:23,635,635-23,635,637, AGG deleted on the plus strand (CCT on the coding strand, the reverse complement: PALB2 is on the minus strand); deleting any 3 consecutive bases within chr16:23,635,635-23,635,640 gives the same sequence; the position shown is the placement nearest the transcript's 3' end. VCF-style (leftmost placement, unchanged base first): chr16-23635634-AAGG-A. GRCh37 (hg19) VCF-style: chr16-23646955-AAGG-A.
Other names: c.909_911delCCT (NM_024675.3); c.909_911del (NM_024675.4); short protein forms L304del.
Identifiers: ClinVar variation 128148 (VCV000128148.26), dbSNP rs587780222, ClinGen allele CA288498.
Genomic context (GRCh38, chr16:23,635,634, plus strand): 5'-ATTTGCCTCTAAATTAGAACTTGTGGGCAGTTGGCCACTTTTACTTATAGCTTTATTTAC[AAGG>A]AGGTTATCTGTAGAGACAGTCATTTTTTTGCCTTGTGCCTCCAAACTTACAGGTGAAGTA-3'